The following is an entry in ClinVar:

ClinVar aggregate classification (germline): Uncertain significance (1 of 4 stars; one submission).

Submission:

GeneDx
Classification: Uncertain significance. Last evaluated: 2024-08-07. Review status: criteria provided, single submitter. Criteria: GeneDx Variant Classification Process June 2021. Collection method: clinical testing. Allele origin: germline. Affected: yes.
Comment: Not observed at significant frequency in large population cohorts (gnomAD); In silico analysis supports that this missense variant has a deleterious effect on protein structure/function; Has not been previously published as pathogenic or benign to our knowledge

NM_001287491.2(TET3):c.806C>T (p.Pro269Leu)

Gene: TET3 (tet methylcytosine dioxygenase 3; plus strand). Cytogenetic location: 2p13.1.
Variant type: single nucleotide variant.
Coding change: c.806C>T on transcript NM_001287491.2 (MANE Select); coding-DNA position 806, C replaced by T.
Protein change: p.Pro269Leu; replaces proline 269 with leucine.
Molecular consequence: missense variant.
Genome position (GRCh38, 1-based): chr2:74,046,723, C>T. VCF-style: chr2-74046723-C-T. GRCh37 (hg19) VCF-style: chr2-74273850-C-T.
Other names: c.527C>T, p.Pro176Leu (NM_001366022.1); short protein forms P176L, P269L.
Identifiers: ClinVar variation 3603161 (VCV003603161.1).
Genomic context (GRCh38, chr2:74,046,723, plus strand): 5'-GCAGCGAAGACCTTGACACACTGCAGACGGCCCTGGCCCTCGCGCGGCATGGTATGAAAC[C>T]ACCCAACTGCAACTGCGATGGCCCAGAATGCCCTGACTACCTCGAGTGGCTGGAGGGGAA-3'
Protein context (NP_001274420.1, residues 259-279): ALALARHGMK[Pro269Leu]PNCNCDGPEC